The following is an entry in ClinVar:

ClinVar aggregate classification (germline): Uncertain significance (1 of 4 stars; one submission).

Conditions:
Vici syndrome (VICIS). Identifiers: Orphanet 1493, MedGen C1855772, MONDO:0009452, OMIM 242840.

Submission:

Labcorp Genetics (formerly Invitae), Labcorp
Classification: Uncertain significance for Vici syndrome. Last evaluated: 2019-04-25. Review status: criteria provided, single submitter. Criteria: Invitae Variant Classification Sherloc (09022015). Collection method: clinical testing. Allele origin: germline.
Comment: This sequence change replaces valine with isoleucine at codon 682 of the EPG5 protein (p.Val682Ile). The valine residue is weakly conserved and there is a small physicochemical difference between valine and isoleucine. This variant is not present in population databases (ExAC no frequency). This variant has not been reported in the literature in individuals with EPG5-related conditions. Algorithms developed to predict the effect of missense changes on protein structure and function output the following: SIFT: "Tolerated"; PolyPhen-2: "Benign"; Align-GVGD: "Class C0". The isoleucine amino acid residue is found in multiple mammalian species, suggesting that this missense change does not adversely affect protein function. These predictions have not been confirmed by published functional studies and their clinical significance is uncertain. In summary, the available evidence is currently insufficient to determine the role of this variant in disease. Therefore, it has been classified as a Variant of Uncertain Significance.

NM_020964.3(EPG5):c.2044G>A (p.Val682Ile)

Gene: EPG5 (ectopic P-granules 5 autophagy tethering factor; minus strand). Cytogenetic location: 18q21.1.
Variant type: single nucleotide variant.
Coding change: c.2044G>A on transcript NM_020964.3 (MANE Select); coding-DNA position 2044, G replaced by A.
Protein change: p.Val682Ile; replaces valine 682 with isoleucine.
Molecular consequence: missense variant.
Genome position (GRCh38, 1-based): chr18:45,939,655, C>T on the plus strand (G>A on the coding strand, the complement: EPG5 is on the minus strand). VCF-style: chr18-45939655-C-T. GRCh37 (hg19) VCF-style: chr18-43519621-C-T.
Other names: short protein forms V682I.
Identifiers: ClinVar variation 944020 (VCV000944020.2), dbSNP rs2050618634, ClinGen allele CA402347987.